The following is an entry in ClinVar:

ClinVar aggregate classification (germline): Benign. Review status: criteria provided, multiple submitters, no conflicts (2 of 4 stars). 6 submissions from 6 submitters: Benign (5). 1 of the submissions does not count toward it. Last evaluated 2022-03-23.

Conditions:
Congenital myasthenic syndrome (CMS). Also called: Congenital Myasthenic Syndromes. Identifiers: Orphanet 590, MedGen C0751882, MeSH D020294, MONDO:0018940.

Allele frequency attached by ClinVar (database versions not stated): gnomAD exomes 0.00339 and 0.00943; ExAC 0.01145; gnomAD 0.03348 and 0.03561; 1000 Genomes Project 0.03674; ESP Exome Variant Server 0.03844; TOPMed 0.03865; 1000 Genomes Project 30x 0.03998.
gnomAD v4.1: 10,355 of 1,613,906 alleles (0.64%); highest among the groups gnomAD compares: African/African-American, 11%; 552 homozygotes.

Submissions (6):

Mayo Clinic Laboratories, Mayo Clinic
Classification: Benign. Last evaluated: 2022-03-23. Review status: criteria provided, single submitter. Criteria: ACMG Guidelines, 2015. Collection method: clinical testing. Allele origin: germline. Observed: 10 variant alleles.

Illumina Laboratory Services, Illumina
Classification: Benign for Congenital myasthenic syndrome. Last evaluated: 2018-01-13. Review status: criteria provided, single submitter. Criteria: ICSL Variant Classification Criteria 13 December 2019. Collection method: clinical testing. Allele origin: germline.
Comment: This variant was observed in the ICSL laboratory as part of a predisposition screen in an ostensibly healthy population. It had not been previously curated by ICSL or reported in the Human Gene Mutation Database (HGMD: prior to June 1st, 2018), and was therefore a candidate for classification through an automated scoring system. Utilizing variant allele frequency, disease prevalence and penetrance estimates, and inheritance mode, an automated score was calculated to assess if this variant is too frequent to cause the disease. Based on the score and internal cut-off values, a variant classified as benign is not then subjected to further curation. The score for this variant resulted in a classification of benign for this disease.

GeneDx
Classification: Benign. Last evaluated: 2017-05-12. Review status: criteria provided, single submitter. Criteria: GeneDx Variant Classification (06012015). Collection method: clinical testing. Allele origin: germline. Affected: yes.
Comment: This variant is considered likely benign or benign based on one or more of the following criteria: it is a conservative change, it occurs at a poorly conserved position in the protein, it is predicted to be benign by multiple in silico algorithms, and/or has population frequency not consistent with disease.

Breakthrough Genomics
Classification: Benign. Review status: criteria provided, single submitter. Criteria: ACMG Guidelines, 2015. Collection method: not provided. Allele origin: germline. Inheritance: Autosomal recessive inheritance. Affected: yes.

PreventionGenetics, part of Exact Sciences
Classification: Benign. Review status: criteria provided, single submitter. Criteria: ACMG Guidelines, 2015. Collection method: clinical testing. Allele origin: germline.

Natera, Inc.
Classification: Benign for Congenital myasthenic syndrome. Last evaluated: 2020-09-16. Review status: no assertion criteria provided. Collection method: clinical testing. Allele origin: germline. Not counted in ClinVar's aggregate classification.

NM_000080.4(CHRNE):c.-8G>A

Genes: C17orf107 (chromosome 17 open reading frame 107; plus strand), CHRNE (cholinergic receptor nicotinic epsilon subunit; minus strand). Cytogenetic location: 17p13.2.
Variant type: single nucleotide variant.
Coding change: c.-8G>A on transcript NM_000080.4 (MANE Select); 8 bases upstream of the start codon, G replaced by A.
Molecular consequence: 5 prime UTR variant.
Genome position (GRCh38, 1-based): chr17:4,903,071, C>T on the plus strand (G>A on the coding strand, the complement: CHRNE is on the minus strand). VCF-style: chr17-4903071-C-T. GRCh37 (hg19) VCF-style: chr17-4806366-C-T.
Other names: c.-8G>A (LRG_1254t1).
Identifiers: ClinVar variation 254888 (VCV000254888.9), dbSNP rs77481135, ClinGen allele CA8314653.